The following is an entry in ClinVar:

NM_012318.3(LETM1):c.1723G>T (p.Asp575Tyr)

Gene: LETM1 (leucine zipper and EF-hand containing transmembrane protein 1; minus strand). Cytogenetic location: 4p16.3.
Variant type: single nucleotide variant.
Coding change: c.1723G>T on transcript NM_012318.3 (MANE Select); coding-DNA position 1723, G replaced by T.
Protein change: p.Asp575Tyr; replaces aspartic acid 575 with tyrosine.
Molecular consequence: missense variant.
Genome position (GRCh38, 1-based): chr4:1,819,358, C>A on the plus strand (G>T on the coding strand, the complement: LETM1 is on the minus strand). VCF-style: chr4-1819358-C-A. GRCh37 (hg19) VCF-style: chr4-1821085-C-A.
Other names: short protein forms D575Y.
Identifiers: ClinVar variation 1354660 (VCV001354660.8), dbSNP rs2108836399, ClinGen allele CA355997651.

ClinVar aggregate classification (germline): Uncertain significance (1 of 4 stars; one submission).

Submission:

Labcorp Genetics (formerly Invitae), Labcorp
Classification: Uncertain significance. Last evaluated: 2021-12-03. Review status: criteria provided, single submitter. Criteria: Invitae Variant Classification Sherloc (09022015). Collection method: clinical testing. Allele origin: germline.
Comment: Algorithms developed to predict the effect of missense changes on protein structure and function are either unavailable or do not agree on the potential impact of this missense change (SIFT: "Deleterious"; PolyPhen-2: "Probably Damaging"; Align-GVGD: "Class C15"). Algorithms developed to predict the effect of sequence changes on RNA splicing suggest that this variant may create or strengthen a splice site. In summary, the available evidence is currently insufficient to determine the role of this variant in disease. Therefore, it has been classified as a Variant of Uncertain Significance. This variant has not been reported in the literature in individuals affected with LETM1-related conditions. This sequence change replaces aspartic acid, which is acidic and polar, with tyrosine, which is neutral and polar, at codon 575 of the LETM1 protein (p.Asp575Tyr). This variant is not present in population databases (gnomAD no frequency).